The following is an entry in ClinVar:

NM_000092.5(COL4A4):c.3494C>T (p.Pro1165Leu)

Gene: COL4A4 (collagen type IV alpha 4 chain; minus strand). Cytogenetic location: 2q36.3.
Variant type: single nucleotide variant.
Coding change: c.3494C>T on transcript NM_000092.5 (MANE Select); coding-DNA position 3494, C replaced by T.
Protein change: p.Pro1165Leu; replaces proline 1165 with leucine.
Molecular consequence: missense variant.
Genome position (GRCh38, 1-based): chr2:227,042,159, G>A on the plus strand (C>T on the coding strand, the complement: COL4A4 is on the minus strand). VCF-style: chr2-227042159-G-A. GRCh37 (hg19) VCF-style: chr2-227906875-G-A.
Other names: short protein forms P1165L.
Identifiers: ClinVar variation 2173416 (VCV002173416.7), dbSNP rs374343979, ClinGen allele CA2144522.

ClinVar aggregate classification (germline): Conflicting classifications of pathogenicity. Review status: criteria provided, conflicting classifications (1 of 4 stars). 4 submissions from 4 submitters: Uncertain significance (3); Likely benign (1). Last evaluated 2026-01-16.

Conditions:
Brain small vessel disease 2A, autosomal dominant. Also called: Porencephaly 2. Identifiers: Orphanet 2940, Orphanet 99810, MedGen C3280970, MONDO:0013773, OMIM 614483.
Autosomal recessive Alport syndrome (ATS2). Also called: COL4A4 Alport Syndrome and Thin Basement Membrane Nephropathy; Alport syndrome type 2; COL4A3-Related Nephropathy; ALPORT SYNDROME 2, AUTOSOMAL RECESSIVE. Identifiers: Orphanet 63, Orphanet 88919, MedGen C4746745, MONDO:0008762, OMIM 203780.
Hematuria, benign familial, 1 (BFH1). Also called: THIN MEMBRANE NEPHROPATHY. Identifiers: MedGen CN376803, MONDO:0007709, OMIM 141200.

Allele frequency attached by ClinVar (database versions not stated): gnomAD exomes 0.00003; gnomAD 0.00005; ExAC 0.00006; TOPMed 0.00006; ESP Exome Variant Server 0.00008.
gnomAD v4.1: 52 of 1,602,720 alleles (0.0032%); highest among the groups gnomAD compares: African/African-American, 0.013%; no homozygotes.

Submissions (4):

Labcorp Genetics (formerly Invitae), Labcorp
Classification: Likely benign. Last evaluated: 2026-01-16. Review status: criteria provided, single submitter. Criteria: Invitae Variant Classification Sherloc (09022015). Collection method: clinical testing. Allele origin: germline.

Johns Hopkins Genomics, Johns Hopkins University
Classification: Uncertain significance for Brain small vessel disease 2A, autosomal dominant. Last evaluated: 2025-04-29. Review status: criteria provided, single submitter. Criteria: ACMG Guidelines, 2015. Collection method: clinical testing. Allele origin: germline.
Comment: This COL4A4 missense variant (rs374343979) is rare (<0.1%) in a large population dataset (gnomADv4.1.0: 52/1602720 total alleles; 0.0032%; no homozygotes) and has been reported in ClinVar (Variation ID: 2173416). It has not been reported in the literature, to our knowledge. Of three bioinformatics tools queried, one predicts that the substitution would be possibly damaging, while two predict that it would be tolerated. The proline residue at this position is evolutionarily conserved across most of the mammalian species assessed, however this amino acid is at position Y of the collagen triple helix Glycine-X-Y repeat. Most disease-associated COL4A4 variants in this region occur in glycine residues. Due to the lack of clinical and functional data supporting that this variant is deleterious, we consider the clinical significance of COL4A4 c.3494C>T to be uncertain at this time.

Fulgent Genetics
Classification: Uncertain significance for Hematuria, benign familial, 1; Autosomal recessive Alport syndrome. Last evaluated: 2024-04-23. Review status: criteria provided, single submitter. Criteria: ACMG Guidelines, 2015. Collection method: clinical testing. Allele origin: germline.

GeneDx
Classification: Uncertain significance. Last evaluated: 2023-07-31. Review status: criteria provided, single submitter. Criteria: GeneDx Variant Classification Process June 2021. Collection method: clinical testing. Allele origin: germline. Affected: yes.
Comment: In silico analysis supports that this missense variant has a deleterious effect on protein structure/function; Has not been previously published as pathogenic or benign to our knowledge; Occurs in the triple helical domain at the Y position in the canonical Gly-X-Y repeat; although this variant may have an effect on normal protein folding and function, missense substitution at the Y position is not a common mechanism of disease